The following is an entry in ClinVar:

ClinVar aggregate classification (germline): Likely pathogenic (1 of 4 stars; one submission).

Conditions:
Acromesomelic dysplasia 1, Maroteaux type (AMD1). Also called: ST. HELENA DYSPLASIA; ACROMESOMELIC DYSPLASIA 1. Identifiers: Orphanet 40, MedGen C1864356, MONDO:0011275, OMIM 602875.
Tall stature-scoliosis-macrodactyly of the great toes syndrome. Also called: Epiphyseal chondrodysplasia, miura type. Identifiers: Orphanet 329191, MedGen C4014690, MONDO:0014401, OMIM 615923.
Short stature with nonspecific skeletal abnormalities. Identifiers: MedGen C4225399, MONDO:0975810.

Submission:

Labcorp Genetics (formerly Invitae), Labcorp
Classification: Likely pathogenic for Tall stature-scoliosis-macrodactyly of the great toes syndrome; Acromesomelic dysplasia 1, Maroteaux type. Last evaluated: 2021-10-29. Review status: criteria provided, single submitter. Criteria: Invitae Variant Classification Sherloc (09022015). Collection method: clinical testing. Allele origin: germline.
Comment: This variant has not been reported in the literature in individuals affected with NPR2-related conditions. In summary, the currently available evidence indicates that the variant is pathogenic, but additional data are needed to prove that conclusively. Therefore, this variant has been classified as Likely Pathogenic. Algorithms developed to predict the effect of sequence changes on RNA splicing suggest that this variant may disrupt the consensus splice site. ClinVar contains an entry for this variant (Variation ID: 1066921). This variant is not present in population databases (gnomAD no frequency). This sequence change affects a donor splice site in intron 8 of the NPR2 gene. It is expected to disrupt RNA splicing. Variants that disrupt the donor or acceptor splice site typically lead to a loss of protein function (PMID: 16199547), and loss-of-function variants in NPR2 are known to be pathogenic (PMID: 15146390, 15572448, 16384845).

Literature cited by the submitters: PubMed 16199547 (cited by Labcorp Genetics (formerly Invitae), Labcorp); PubMed 15146390 (cited by Labcorp Genetics (formerly Invitae), Labcorp); PubMed 15572448 (cited by Labcorp Genetics (formerly Invitae), Labcorp); PubMed 16384845 (cited by Labcorp Genetics (formerly Invitae), Labcorp).

NM_003995.4(NPR2):c.1557+1G>A

Gene: NPR2 (natriuretic peptide receptor 2; plus strand). Cytogenetic location: 9p13.3.
Variant type: single nucleotide variant.
Coding change: c.1557+1G>A on transcript NM_003995.4 (MANE Select); the canonical splice donor site of the intron after coding-DNA position 1557, G replaced by A.
Molecular consequence: splice donor variant.
Genome position (GRCh38, 1-based): chr9:35,801,764, G>A. VCF-style: chr9-35801764-G-A. GRCh37 (hg19) VCF-style: chr9-35801761-G-A.
Other names: c.1566+1G>A (NM_001378923.1).
Identifiers: ClinVar variation 1066921 (VCV001066921.10), dbSNP rs2132081744, ClinGen allele CA373373008.